The following is an entry in ClinVar:

ClinVar aggregate classification (germline): Uncertain significance. Review status: criteria provided, multiple submitters, no conflicts (2 of 4 stars). 6 submissions from 6 submitters: Uncertain significance (5). 1 of the submissions does not count toward it. Last evaluated 2025-05-28.

Conditions:
Fraser syndrome 2 (FRASRS2). Identifiers: MedGen C4540036, MONDO:0054738, OMIM 617666.
FREM2-related disorder. Also called: FREM2-related condition.
Inborn genetic diseases. Identifiers: MedGen C0950123, MeSH D030342.
Isolated cryptophthalmia. Also called: Cryptophthalmos, unilateral or bilateral, isolated; ANKYLOBLEPHARON, SIMPLE. Identifiers: Orphanet 91396, MedGen C1852453, MONDO:0007410, OMIM 123570.

Allele frequency attached by ClinVar (database versions not stated): gnomAD exomes 0.00008 and 0.00016; ExAC 0.00011; gnomAD 0.00015 and 0.00016; TOPMed 0.00019; 1000 Genomes Project 0.00040; 1000 Genomes Project 30x 0.00047.
gnomAD v4.1: 160 of 1,614,150 alleles (0.0099%); highest among the groups gnomAD compares: Middle Eastern, 0.099%; 1 homozygote.

Submissions (6):

Ambry Genetics
Classification: Uncertain significance for Inborn genetic diseases. Last evaluated: 2025-05-28. Review status: criteria provided, single submitter. Criteria: Ambry Variant Classification Scheme 2023. Collection method: clinical testing. Allele origin: germline.

GeneDx
Classification: Uncertain significance. Last evaluated: 2024-08-27. Review status: criteria provided, single submitter. Criteria: GeneDx Variant Classification Process June 2021. Collection method: clinical testing. Allele origin: germline. Affected: yes.
Comment: In silico analysis indicates that this missense variant does not alter protein structure/function; Has not been previously published as pathogenic or benign to our knowledge

Fulgent Genetics
Classification: Uncertain significance for Isolated cryptophthalmia; Fraser syndrome 2. Last evaluated: 2023-12-28. Review status: criteria provided, single submitter. Criteria: ACMG Guidelines, 2015. Collection method: clinical testing. Allele origin: germline.

Labcorp Genetics (formerly Invitae), Labcorp
Classification: Uncertain significance. Last evaluated: 2022-10-13. Review status: criteria provided, single submitter. Criteria: Invitae Variant Classification Sherloc (09022015). Collection method: clinical testing. Allele origin: germline.
Comment: This sequence change replaces leucine, which is neutral and non-polar, with valine, which is neutral and non-polar, at codon 449 of the FREM2 protein (p.Leu449Val). This variant is present in population databases (rs190063725, gnomAD 0.07%). This variant has not been reported in the literature in individuals affected with FREM2-related conditions. ClinVar contains an entry for this variant (Variation ID: 883327). Advanced modeling of protein sequence and biophysical properties (such as structural, functional, and spatial information, amino acid conservation, physicochemical variation, residue mobility, and thermodynamic stability) performed at Invitae indicates that this missense variant is not expected to disrupt FREM2 protein function. In summary, the available evidence is currently insufficient to determine the role of this variant in disease. Therefore, it has been classified as a Variant of Uncertain Significance.

Illumina Laboratory Services, Illumina
Classification: Uncertain significance for Fraser syndrome 2. Last evaluated: 2018-01-13. Review status: criteria provided, single submitter. Criteria: ICSL Variant Classification Criteria 13 December 2019. Collection method: clinical testing. Allele origin: germline.

PreventionGenetics, part of Exact Sciences
Classification: Uncertain significance for FREM2-related condition. Last evaluated: 2024-04-22. Review status: no assertion criteria provided. Collection method: clinical testing. Allele origin: germline. Not counted in ClinVar's aggregate classification.
Comment: The FREM2 c.1345C>G variant is predicted to result in the amino acid substitution p.Leu449Val. To our knowledge, this variant has not been reported in the literature. This variant is reported in 0.073% of alleles in individuals of Latino descent in gnomAD. Although we suspect that this variant may be benign, at this time, the clinical significance of this variant is uncertain due to the absence of conclusive functional and genetic evidence.

NM_207361.6(FREM2):c.1345C>G (p.Leu449Val)

Gene: FREM2 (FRAS1 related extracellular matrix 2; plus strand). Cytogenetic location: 13q13.3.
Variant type: single nucleotide variant.
Coding change: c.1345C>G on transcript NM_207361.6 (MANE Select); coding-DNA position 1345, C replaced by G.
Protein change: p.Leu449Val; replaces leucine 449 with valine.
Molecular consequence: missense variant.
Genome position (GRCh38, 1-based): chr13:38,688,689, C>G. VCF-style: chr13-38688689-C-G. GRCh37 (hg19) VCF-style: chr13-39262826-C-G.
Other names: c.1345C>G (NM_207361.5); short protein forms L449V.
Identifiers: ClinVar variation 883327 (VCV000883327.10), dbSNP rs190063725, ClinGen allele CA6954389.
Genomic context (GRCh38, chr13:38,688,689, plus strand): 5'-GTAGTGGTGAAGCCCATGAACACAATGGCTCCGGTGGTCACCCGGAATACCGGTCTTATT[C>G]TCTATGAGGGTCAGTCTCGGCCCCTCACAGGCCCTGCAGGCAGTGGTCCGCAAAACTTGG-3'
Protein context (NP_997244.4, residues 439-459): PVVTRNTGLI[Leu449Val]YEGQSRPLTG